The following is an entry in ClinVar:

NM_001035.3(RYR2):c.3896T>G (p.Ile1299Ser)

Genes: RYR2 (ryanodine receptor 2; plus strand), LOC126806067 (BRD4-independent group 4 enhancer GRCh37_chr1:237753258-237754457; plus strand). Cytogenetic location: 1q43.
Variant type: single nucleotide variant.
Coding change: c.3896T>G on transcript NM_001035.3 (MANE Select); coding-DNA position 3896, T replaced by G.
Protein change: p.Ile1299Ser; replaces isoleucine 1299 with serine.
Molecular consequence: missense variant.
Genome position (GRCh38, 1-based): chr1:237,590,728, T>G. VCF-style: chr1-237590728-T-G. GRCh37 (hg19) VCF-style: chr1-237754028-T-G.
Other names: short protein forms I1299S.
Identifiers: ClinVar variation 1373838 (VCV001373838.9), dbSNP rs772551383, ClinGen allele CA086493.

ClinVar aggregate classification (germline): Uncertain significance. Review status: criteria provided, multiple submitters, no conflicts (2 of 4 stars). 2 submissions from 2 submitters: Uncertain significance (2). Last evaluated 2025-06-09.

Conditions:
Catecholaminergic polymorphic ventricular tachycardia 1. Also called: VENTRICULAR TACHYCARDIA, STRESS-INDUCED POLYMORPHIC 1; VENTRICULAR TACHYCARDIA, CATECHOLAMINERGIC POLYMORPHIC, 1, WITH OR WITHOUT ATRIAL DYSFUNCTION AND/OR DILATED CARDIOMYOPATHY; RYR2-Related Catecholaminergic Polymorphic Ventricular Tachycardia. Identifiers: Orphanet 3286, MedGen C1631597, MONDO:0011484, OMIM 604772.
Cardiomyopathy (CMYO). Also called: Cardiomyopathies. Identifiers: Orphanet 167848, MedGen C0878544, MONDO:0004994, HP:0001638. Inheritance: Various modes of inheritance.

gnomAD v4.1: 3 of 1,612,292 alleles (0.00019%); highest among the groups gnomAD compares: Middle Eastern, 0.017%; no homozygotes.

Submissions (2):

Color Diagnostics, LLC DBA Color Health
Classification: Uncertain significance for Cardiomyopathy. Last evaluated: 2025-06-09. Review status: criteria provided, single submitter. Criteria: ACMG Guidelines, 2015. Collection method: clinical testing. Allele origin: germline.
Comment: This missense variant replaces isoleucine with serine at codon 1299 of the RYR2 protein. Computational prediction suggests that this variant may not impact protein structure and function. To our knowledge, functional studies have not been reported for this variant. This variant has not been reported in individuals affected with RYR2-related disorders in the literature. This variant has been identified in 1/247838 chromosomes in the general population by the Genome Aggregation Database (gnomAD). The available evidence is insufficient to determine the role of this variant in disease conclusively. Therefore, this variant is classified as a Variant of Uncertain Significance.

Labcorp Genetics (formerly Invitae), Labcorp
Classification: Uncertain significance for Catecholaminergic polymorphic ventricular tachycardia 1. Last evaluated: 2023-09-06. Review status: criteria provided, single submitter. Criteria: Invitae Variant Classification Sherloc (09022015). Collection method: clinical testing. Allele origin: germline.
Comment: This sequence change replaces isoleucine, which is neutral and non-polar, with serine, which is neutral and polar, at codon 1299 of the RYR2 protein (p.Ile1299Ser). In summary, the available evidence is currently insufficient to determine the role of this variant in disease. Therefore, it has been classified as a Variant of Uncertain Significance. Advanced modeling of protein sequence and biophysical properties (such as structural, functional, and spatial information, amino acid conservation, physicochemical variation, residue mobility, and thermodynamic stability) performed at Invitae indicates that this missense variant is not expected to disrupt RYR2 protein function. ClinVar contains an entry for this variant (Variation ID: 1373838). This variant has not been reported in the literature in individuals affected with RYR2-related conditions. This variant is present in population databases (rs772551383, gnomAD 0.01%).